The following is an entry in ClinVar:

ClinVar aggregate classification (germline): Uncertain significance (1 of 4 stars; one submission).

Conditions:
Hypertrophic cardiomyopathy. Also called: HYPERTROPHIC MYOCARDIOPATHY. Identifiers: Orphanet 217569, MedGen C0007194, MeSH D002312, MONDO:0005045, HP:0001639.

gnomAD v4.1: 1 of 1,554,910 alleles (0.000064%); highest among the groups gnomAD compares: Non-Finnish European, 0.000087%; no homozygotes.

Submission:

Labcorp Genetics (formerly Invitae), Labcorp
Classification: Uncertain significance for Hypertrophic cardiomyopathy. Last evaluated: 2025-06-29. Review status: criteria provided, single submitter. Criteria: Invitae Variant Classification Sherloc (09022015). Collection method: clinical testing. Allele origin: germline.
Comment: This sequence change replaces asparagine, which is neutral and polar, with aspartic acid, which is acidic and polar, at codon 782 of the MYBPC3 protein (p.Asn782Asp). This variant is not present in population databases (gnomAD no frequency). This variant has not been reported in the literature in individuals affected with MYBPC3-related conditions. An algorithm developed to predict the effect of missense changes on protein structure and function (PolyPhen-2) suggests that this variant is likely to be tolerated. In summary, the available evidence is currently insufficient to determine the role of this variant in disease. Therefore, it has been classified as a Variant of Uncertain Significance.

NM_000256.3(MYBPC3):c.2344A>G (p.Asn782Asp)

Gene: MYBPC3 (myosin binding protein C3; minus strand). Cytogenetic location: 11p11.2.
Variant type: single nucleotide variant.
Coding change: c.2344A>G on transcript NM_000256.3 (MANE Select); coding-DNA position 2344, A replaced by G.
Protein change: p.Asn782Asp; replaces asparagine 782 with aspartic acid.
Molecular consequence: missense variant.
Genome position (GRCh38, 1-based): chr11:47,337,759, T>C on the plus strand (A>G on the coding strand, the complement: MYBPC3 is on the minus strand). VCF-style: chr11-47337759-T-C. GRCh37 (hg19) VCF-style: chr11-47359310-T-C.
Other names: short protein forms N782D.
Identifiers: ClinVar variation 4798266 (VCV004798266.1).